The following is an entry in ClinVar:

ClinVar aggregate classification (germline): Uncertain significance (1 of 4 stars; one submission).

Conditions:
Dilated cardiomyopathy 1W (CMD1W). Identifiers: Orphanet 154, MedGen C1969639, MONDO:0012667, OMIM 611407.

gnomAD v4.1: 3 of 1,612,134 alleles (0.00019%); highest among the groups gnomAD compares: Non-Finnish European, 0.00025%; no homozygotes.

Submission:

Labcorp Genetics (formerly Invitae), Labcorp
Classification: Uncertain significance for Dilated cardiomyopathy 1W. Last evaluated: 2026-01-13. Review status: criteria provided, single submitter. Criteria: Invitae Variant Classification Sherloc (09022015). Collection method: clinical testing. Allele origin: germline.
Comment: This sequence change replaces isoleucine, which is neutral and non-polar, with valine, which is neutral and non-polar, at codon 808 of the VCL protein (p.Ile808Val). This variant is not present in population databases (gnomAD no frequency). This variant has not been reported in the literature in individuals affected with VCL-related conditions. An algorithm developed to predict the effect of missense changes on protein structure and function (PolyPhen-2) suggests that this variant is likely to be disruptive. In summary, the available evidence is currently insufficient to determine the role of this variant in disease. Therefore, it has been classified as a Variant of Uncertain Significance.

NM_014000.3(VCL):c.2422A>G (p.Ile808Val)

Gene: VCL (vinculin; plus strand). Cytogenetic location: 10q22.2.
Variant type: single nucleotide variant.
Coding change: c.2422A>G on transcript NM_014000.3 (MANE Select); coding-DNA position 2422, A replaced by G.
Protein change: p.Ile808Val; replaces isoleucine 808 with valine.
Molecular consequence: missense variant.
Genome position (GRCh38, 1-based): chr10:74,105,341, A>G. VCF-style: chr10-74105341-A-G. GRCh37 (hg19) VCF-style: chr10-75865099-A-G.
Other names: c.2422A>G, p.Ile808Val (NM_003373.4); short protein forms I808V.
Identifiers: ClinVar variation 4811225 (VCV004811225.1).